The following is an entry in ClinVar:

ClinVar aggregate classification (germline): Uncertain significance. Review status: criteria provided, multiple submitters, no conflicts (2 of 4 stars). 3 submissions from 3 submitters: Uncertain significance (2). 1 of the submissions does not count toward it. Last evaluated 2025-12-15.

Conditions:
Leber congenital amaurosis (LCA). Also called: Leber's amaurosis. Identifiers: Orphanet 65, MedGen C0339527, MeSH D057130, MONDO:0018998.
Leber congenital amaurosis 13 (LCA13). Identifiers: MedGen C2675186, MONDO:0012990, OMIM 612712.

Submissions (3):

Labcorp Genetics (formerly Invitae), Labcorp
Classification: Uncertain significance for Leber congenital amaurosis 13. Last evaluated: 2025-12-15. Review status: criteria provided, single submitter. Criteria: Invitae Variant Classification Sherloc (09022015). Collection method: clinical testing. Allele origin: germline.
Comment: This variant, c.29_31del, results in the deletion of 1 amino acid(s) of the RDH12 protein (p.Ser10del), but otherwise preserves the integrity of the reading frame. This variant is present in population databases (rs754556714, gnomAD 0.09%). This variant has not been reported in the literature in individuals affected with RDH12-related conditions. Experimental studies and prediction algorithms are not available or were not evaluated, and the functional significance of this variant is currently unknown. In summary, the available evidence is currently insufficient to determine the role of this variant in disease. Therefore, it has been classified as a Variant of Uncertain Significance.

Blueprint Genetics
Classification: Uncertain significance. Last evaluated: 2022-11-04. Review status: criteria provided, single submitter. Criteria: ACMG Guidelines, 2015. Collection method: clinical testing. Allele origin: germline.

Natera, Inc.
Classification: Uncertain significance for Leber congenital amaurosis. Last evaluated: 2020-03-11. Review status: no assertion criteria provided. Collection method: clinical testing. Allele origin: germline. Not counted in ClinVar's aggregate classification.

NM_152443.3(RDH12):c.26CCT[1] (p.Ser10del)

Genes: GPHN (gephyrin; plus strand), RDH12 (retinol dehydrogenase 12; plus strand). Cytogenetic location: 14q24.1.
Variant type: Microsatellite.
Coding change: c.26CCT[1] on transcript NM_152443.3 (MANE Select); one copy of the 3-base unit CCT starting at c.26; the reference has two copies in a row; one copy, 3 bases deleted; also written c.29_31del.
Protein change: p.Ser10del; deletes serine 10.
Molecular consequence: inframe deletion.
Genome position (GRCh38, 1-based): chr14:67,722,671-67,722,673, CCT deleted; deleting any 3 consecutive bases within chr14:67,722,668-67,722,673 gives the same sequence; the position shown is the placement nearest the transcript's 3' end. VCF-style (leftmost placement, unchanged base first): chr14-67722667-ACCT-A. GRCh37 (hg19) VCF-style: chr14-68189384-ACCT-A.
Other names: c.29_31del (NM_152443.3); short protein forms S10del.
Identifiers: ClinVar variation 1046740 (VCV001046740.8), dbSNP rs754556714, ClinGen allele CA7238568.